The following is an entry in ClinVar:

ClinVar aggregate classification (germline): Likely benign. Review status: criteria provided, multiple submitters, no conflicts (2 of 4 stars). 2 submissions from 2 submitters: Likely benign (2). Last evaluated 2023-09-15.

Allele frequency attached by ClinVar (database versions not stated): gnomAD exomes 0.00011; TOPMed 0.00015; gnomAD 0.00018; ExAC 0.00020; ESP Exome Variant Server 0.00023; 1000 Genomes Project 30x 0.00031; 1000 Genomes Project 0.00040.
gnomAD v4.1: 186 of 1,614,214 alleles (0.012%); highest among the groups gnomAD compares: African/African-American, 0.021%; no homozygotes.

Submissions (2):

Blueprint Genetics
Classification: Likely benign. Last evaluated: 2023-09-15. Review status: criteria provided, single submitter. Criteria: ACMG Guidelines, 2015. Collection method: clinical testing. Allele origin: germline.

CeGaT Center for Human Genetics Tuebingen
Classification: Likely benign. Last evaluated: 2023-08-01. Review status: criteria provided, single submitter. Criteria: CeGaT Center For Human Genetics Tuebingen Variant Classification Criteria Version 2. Collection method: clinical testing. Allele origin: germline. Affected: yes. Observed: 1 variant allele.
Comment: STAG3: BP4, BP7

NM_001282717.2(STAG3):c.3633C>T (p.Arg1211=)

Gene: STAG3 (STAG3 cohesin complex component; plus strand). Cytogenetic location: 7q22.1.
Variant type: single nucleotide variant.
Coding change: c.3633C>T on transcript NM_001282717.2 (MANE Select); coding-DNA position 3633, C replaced by T.
Protein change: p.Arg1211=; no amino-acid change (arginine 1211 retained).
Molecular consequence: synonymous variant.
Genome position (GRCh38, 1-based): chr7:100,213,767, C>T. VCF-style: chr7-100213767-C-T. GRCh37 (hg19) VCF-style: chr7-99811390-C-T.
Other names: c.3630C>T, p.Arg1210= (NM_001282716.1, NM_012447.4); c.3456C>T, p.Arg1152= (NM_001282718.2); c.3633C>T, p.Arg1211= (NM_001375438.1).
Identifiers: ClinVar variation 2657746 (VCV002657746.25), dbSNP rs139373770, ClinGen allele CA4379135.